The following is an entry in ClinVar:

NC_000016.10:g.(?_89798246)_(89799648_?)del

Gene: FANCA (FA complementation group A; minus strand). Cytogenetic location: 16q24.3.
Variant type: Deletion.
Identifiers: ClinVar variation 832376 (VCV000832376.5).

ClinVar aggregate classification (germline): Pathogenic (1 of 4 stars; one submission).

Conditions:
Fanconi anemia (FA). Also called: Fanconi's anemia. Identifiers: Orphanet 84, MedGen C0015625, MeSH D005199, MONDO:0019391.

Submission:

Labcorp Genetics (formerly Invitae), Labcorp
Classification: Pathogenic for Fanconi anemia. Last evaluated: 2022-06-08. Review status: criteria provided, single submitter. Criteria: Invitae Variant Classification Sherloc (09022015). Collection method: clinical testing. Allele origin: germline.
Comment: This variant is a gross deletion of the genomic region encompassing exon(s) 9-10 of the FANCA gene. This deletion is out-of-frame, and is expected to create a premature termination codon and result in an absent or disrupted protein product. Loss-of-function variants in FANCA are known to be pathogenic (PMID: 19367192). A similar copy number variant has been observed in individual(s) with Fanconi anemia (PMID: 30031030). For these reasons, this variant has been classified as Pathogenic.

Literature cited by the submitters: PubMed 19367192; PubMed 30031030.